The following is an entry in ClinVar:

ClinVar aggregate classification (germline): Likely pathogenic. Review status: criteria provided, multiple submitters, no conflicts (2 of 4 stars). 2 submissions from 2 submitters: Likely pathogenic (2). Last evaluated 2024-02-24.

Conditions:
Primary ciliary dyskinesia 28. Also called: CILIARY DYSKINESIA, PRIMARY, 28, WITH OR WITHOUT SITUS INVERSUS. Identifiers: Orphanet 244, MedGen C3809706, MONDO:0014216, OMIM 615505.

Allele frequency attached by ClinVar (database versions not stated): ExAC 0.00007; gnomAD 0.00003.
gnomAD v4.1: 75 of 1,593,666 alleles (0.0047%); highest among the groups gnomAD compares: South Asian, 0.076%; no homozygotes.

Submissions (2):

Labcorp Genetics (formerly Invitae), Labcorp
Classification: Likely pathogenic for Primary ciliary dyskinesia 28. Last evaluated: 2024-02-24. Review status: criteria provided, single submitter. Criteria: Invitae Variant Classification Sherloc (09022015). Collection method: clinical testing. Allele origin: germline.
Comment: This sequence change affects a donor splice site in intron 9 of the SPAG1 gene. It is expected to disrupt RNA splicing. Variants that disrupt the donor or acceptor splice site typically lead to a loss of protein function (PMID: 16199547), and loss-of-function variants in SPAG1 are known to be pathogenic (PMID: 24055112). This variant is present in population databases (rs761092656, gnomAD 0.04%). This variant has not been reported in the literature in individuals affected with SPAG1-related conditions. ClinVar contains an entry for this variant (Variation ID: 2053625). Algorithms developed to predict the effect of sequence changes on RNA splicing suggest that this variant may disrupt the consensus splice site. In summary, the currently available evidence indicates that the variant is pathogenic, but additional data are needed to prove that conclusively. Therefore, this variant has been classified as Likely Pathogenic.

Neuberg Centre For Genomic Medicine, NCGM
Classification: Likely pathogenic for Primary ciliary dyskinesia 28. Review status: criteria provided, single submitter. Criteria: ACMG Guidelines, 2015. Collection method: clinical testing. Allele origin: germline. Inheritance: Autosomal recessive inheritance. Affected: yes.
Comment: The splice donor c.939+1G>A variant in SPAG1 gene has not been reported previously as a pathogenic variant nor as a benign variant, to our knowledge. This variant is reported with the allele frequency of 0.006% in the gnomAD Exomes and novel in 1000 Genomes. The variant affects the GT donor splice site downstream of exon 9. The spliceAI tool predicts that this splice site variant is damaging. This variant is predicted to cause loss of normal protein function through protein truncation. Loss of function variants have been previously reported to be disease causing. For these reasons, this variant has been classified as Likely Pathogenic.

Literature cited by the submitters: PubMed 16199547 (cited by Labcorp Genetics (formerly Invitae), Labcorp); PubMed 24055112 (cited by Labcorp Genetics (formerly Invitae), Labcorp).

NM_003114.5(SPAG1):c.939+1G>A

Gene: SPAG1 (sperm associated antigen 1; plus strand). Cytogenetic location: 8q22.2.
Variant type: single nucleotide variant.
Coding change: c.939+1G>A on transcript NM_003114.5 (MANE Select); the canonical splice donor site of the intron after coding-DNA position 939, G replaced by A.
Molecular consequence: splice donor variant.
Genome position (GRCh38, 1-based): chr8:100,191,497, G>A. VCF-style: chr8-100191497-G-A. GRCh37 (hg19) VCF-style: chr8-101203725-G-A.
Other names: c.939+1G>A (NM_001374321.1, NM_172218.3).
Identifiers: ClinVar variation 2053625 (VCV002053625.6), dbSNP rs761092656, ClinGen allele CA4827402.